The following is an entry in ClinVar:

ClinVar aggregate classification (germline): Uncertain significance (1 of 4 stars; one submission).

Conditions:
Myofibrillar myopathy 5. Also called: Filaminopathy (type); FILAMINOPATHY, AUTOSOMAL DOMINANT. Identifiers: Orphanet 171445, MedGen C1836050, MONDO:0012289, OMIM 609524.
Distal myopathy with posterior leg and anterior hand involvement. Also called: WILLIAMS DISTAL MYOPATHY. Identifiers: Orphanet 63273, MedGen C3279722, MONDO:0013550, OMIM 614065.
Hypertrophic cardiomyopathy 26. Also called: Cardiomyopathy, familial hypertrophic, 26. Identifiers: Orphanet 75249, MedGen C4310749, MONDO:0014883, OMIM 617047.

Submission:

Labcorp Genetics (formerly Invitae), Labcorp
Classification: Uncertain significance for Distal myopathy with posterior leg and anterior hand involvement; Myofibrillar myopathy 5; Hypertrophic cardiomyopathy 26. Last evaluated: 2023-12-06. Review status: criteria provided, single submitter. Criteria: Invitae Variant Classification Sherloc (09022015). Collection method: clinical testing. Allele origin: germline.
Comment: This sequence change replaces valine, which is neutral and non-polar, with alanine, which is neutral and non-polar, at codon 450 of the FLNC protein (p.Val450Ala). This variant is not present in population databases (gnomAD no frequency). This variant has not been reported in the literature in individuals affected with FLNC-related conditions. ClinVar contains an entry for this variant (Variation ID: 1716665). Advanced modeling of protein sequence and biophysical properties (such as structural, functional, and spatial information, amino acid conservation, physicochemical variation, residue mobility, and thermodynamic stability) has been performed at Invitae for this missense variant, however the output from this modeling did not meet the statistical confidence thresholds required to predict the impact of this variant on FLNC protein function. In summary, the available evidence is currently insufficient to determine the role of this variant in disease. Therefore, it has been classified as a Variant of Uncertain Significance.

NM_001458.5(FLNC):c.1349T>C (p.Val450Ala)

Gene: FLNC (filamin C; plus strand). Cytogenetic location: 7q32.1.
Variant type: single nucleotide variant.
Coding change: c.1349T>C on transcript NM_001458.5 (MANE Select); coding-DNA position 1349, T replaced by C.
Protein change: p.Val450Ala; replaces valine 450 with alanine.
Molecular consequence: missense variant.
Genome position (GRCh38, 1-based): chr7:128,838,741, T>C. VCF-style: chr7-128838741-T-C. GRCh37 (hg19) VCF-style: chr7-128478795-T-C.
Other names: c.1349T>C, p.Val450Ala (NM_001127487.2); short protein forms V450A.
Identifiers: ClinVar variation 1716665 (VCV001716665.6), dbSNP rs1808209207, ClinGen allele CA369224984.